The following is an entry in ClinVar:

ClinVar aggregate classification (germline): Uncertain significance (1 of 4 stars; one submission).

Conditions:
Hereditary cancer-predisposing syndrome. Also called: Neoplastic Syndromes, Hereditary; Tumor predisposition; Hereditary neoplastic syndrome; Hereditary Cancer Syndrome. Identifiers: Orphanet 140162, MedGen C0027672, MeSH D009386, MONDO:0015356.

Submission:

Ambry Genetics
Classification: Uncertain significance for Hereditary cancer-predisposing syndrome. Last evaluated: 2024-03-08. Review status: criteria provided, single submitter. Criteria: Ambry Variant Classification Scheme 2023. Collection method: clinical testing. Allele origin: germline.
Comment: The c.2470_2472delGTCinsATT variant, located in coding exon 17 of the PDGFRA gene, results from an in-frame deletion of GTC and insertion of ATT at nucleotide positions 2470 to 2472. This results in the substitution of the valine residue for an isoleucine residue at codon 824, an amino acid with highly similar properties. This amino acid position is highly conserved in available vertebrate species. In addition, this alteration is predicted to be neutral by in silico analysis (Choi Y et al. PLoS ONE. 2012; 7(10):e46688). Based on the available evidence, the clinical significance of this alteration remains unclear.

NM_006206.6(PDGFRA):c.2470_2472delinsATT (p.Val824Ile)

Gene: PDGFRA (platelet derived growth factor receptor alpha; plus strand). Cytogenetic location: 4q12.
Variant type: Indel.
Coding change: c.2470_2472delinsATT on transcript NM_006206.6 (MANE Select); coding-DNA positions 2470 to 2472, GTC replaced by ATT.
Protein change: p.Val824Ile; replaces valine 824 with isoleucine.
Molecular consequence: missense variant.
Genome position (GRCh38, 1-based): chr4:54,285,871-54,285,873, GTC replaced by ATT. VCF-style: chr4-54285871-GTC-ATT. GRCh37 (hg19) VCF-style: chr4-55152038-GTC-ATT.
Other names: c.2545_2547delinsATT, p.Val849Ile (NM_001347828.2); c.2470_2472delinsATT, p.Val824Ile (NM_001347829.2); c.2509_2511delinsATT, p.Val837Ile (NM_001347830.2); short protein forms V824I, V837I, V849I.
Identifiers: ClinVar variation 3225285 (VCV003225285.1), dbSNP rs2475548521, ClinGen allele CA2825001295.
Genomic context (GRCh38, chr4:54,285,871, plus strand): 5'-TCCTGAGTCATTTCTTCCTTTTCCATGCAGTGTGTCCACCGTGATCTGGCTGCTCGCAAC[GTC>ATT]CTCCTGGCACAAGGAAAAATTGTGAAGATCTGTGACTTTGGCCTGGCCAGAGACATCATG-3'
Protein context (NP_006197.1, residues 814-834): CVHRDLAARN[Val824Ile]LLAQGKIVKI